The following is an entry in ClinVar:

ClinVar aggregate classification (germline): Uncertain significance. Review status: criteria provided, single submitter (1 of 4 stars). 2 submissions from 2 submitters: Uncertain significance (1). 1 of the submissions does not count toward it. Last evaluated 2018-10-12.

Conditions:
PCSK1-related disorder. Also called: PCSK1-related condition.

Allele frequency attached by ClinVar (database versions not stated): TOPMed 0.00002; gnomAD 0.00003; gnomAD exomes 0.00004; ESP Exome Variant Server 0.00015.
gnomAD v4.1: 62 of 1,613,776 alleles (0.0038%); highest among the groups gnomAD compares: African/African-American, 0.0053%; no homozygotes.

Submissions (2):

Genetic Services Laboratory, University of Chicago
Classification: Uncertain significance. Last evaluated: 2018-10-12. Review status: criteria provided, single submitter. Criteria: ACMG Guidelines, 2015. Collection method: clinical testing. Allele origin: germline. Affected: no.

PreventionGenetics, part of Exact Sciences
Classification: Likely pathogenic for PCSK1-related condition. Last evaluated: 2024-06-10. Review status: no assertion criteria provided. Collection method: clinical testing. Allele origin: germline. Not counted in ClinVar's aggregate classification.
Comment: The PCSK1 c.470C>T variant is predicted to result in the amino acid substitution p.Thr157Met. This variant was observed in a cohort of individuals with obesity, and in vitro functional studies show strong evidence of loss of function (Supplemental Data Set, Shah et al. 2023, PubMed ID: 36864747). This variant is reported in 0.0039% of alleles in individuals of European (non-Finnish) descent in gnomAD. This variant is interpreted as likely pathogenic.

NM_000439.5(PCSK1):c.470C>T (p.Thr157Met)

Genes: PCSK1 (proprotein convertase subtilisin/kexin type 1; minus strand), CAST (calpastatin; plus strand), LOC101929710 (uncharacterized LOC101929710; plus strand). Cytogenetic location: 5q15.
Variant type: single nucleotide variant.
Coding change: c.470C>T on transcript NM_000439.5 (MANE Select); coding-DNA position 470, C replaced by T.
Protein change: p.Thr157Met; replaces threonine 157 with methionine.
Molecular consequence: missense variant.
Genome position (GRCh38, 1-based): chr5:96,423,386, G>A on the plus strand (C>T on the coding strand, the complement: PCSK1 is on the minus strand). VCF-style: chr5-96423386-G-A. GRCh37 (hg19) VCF-style: chr5-95759090-G-A.
Other names: c.329C>T, p.Thr110Met (NM_001177875.2); short protein forms T110M, T157M.
Identifiers: ClinVar variation 1336080 (VCV001336080.6), dbSNP rs200462856, ClinGen allele CA3350477.